The following is an entry in ClinVar:

ClinVar aggregate classification (germline): Pathogenic/Likely pathogenic. Review status: criteria provided, multiple submitters, no conflicts (2 of 4 stars). 4 submissions from 4 submitters: Pathogenic (3); Likely pathogenic (1). Last evaluated 2025-01-26.

Conditions:
Familial adenomatous polyposis 1 (FAP1). Also called: POLYPOSIS, ADENOMATOUS INTESTINAL; FAMILIAL ADENOMATOUS POLYPOSIS 1, ATTENUATED. Identifiers: MedGen C2713442, MONDO:0021056, OMIM 175100. Disease mechanism: loss of function.

Submissions (4):

GeneDx
Classification: Likely pathogenic. Last evaluated: 2025-01-26. Review status: criteria provided, single submitter. Criteria: GeneDx Variant Classification Process June 2021. Collection method: clinical testing. Allele origin: germline. Affected: yes.
Comment: Identified in at least one individual with clinically diagnosed or suspected FAP in published literature (PMID: 11247896); Frameshift variant predicted to result in protein truncation or nonsense mediated decay in a gene for which loss of function is a known mechanism of disease; Not observed at significant frequency in large population cohorts (gnomAD); This variant is associated with the following publications: (PMID: 15311282, 1316610, 8381579, 9824584, 22135120, 27081525, 17293347, 11247896)

Myriad Genetics, Inc.
Classification: Pathogenic for Familial adenomatous polyposis 1. Last evaluated: 2023-05-05. Review status: criteria provided, single submitter. Criteria: Myriad Autosomal Dominant, Autosomal Recessive and X-Linked Classification Criteria (2023). Collection method: clinical testing. Allele origin: unknown.
Comment: This variant is considered pathogenic. This variant creates a frameshift predicted to result in premature protein truncation.

Labcorp Genetics (formerly Invitae), Labcorp
Classification: Pathogenic for Familial adenomatous polyposis 1. Last evaluated: 2022-11-04. Review status: criteria provided, single submitter. Criteria: Invitae Variant Classification Sherloc (09022015). Collection method: clinical testing. Allele origin: germline.
Comment: This premature translational stop signal has been observed in individual(s) with familial adenomatous polyposis (PMID: 11247896). For these reasons, this variant has been classified as Pathogenic. A different truncation (p.Tyr2645Lysfs*14) that lies downstream of this variant has been determined to be pathogenic (PMID: 9824584, 1316610, 27081525, 8381579, 22135120, Invitae). This suggests that deletion of this region of the APC protein is causative of disease. This variant is expected to disrupt the EB1 and HDLG binding sites, which mediate interactions with the cytoskeleton (PMID: 15311282, 17293347). While functional studies have not been performed to directly test the effect on APC protein function, this suggests that disruption of the C-terminal portion of the protein is functionally important. ClinVar contains an entry for this variant (Variation ID: 575133). This variant is not present in population databases (gnomAD no frequency). This sequence change creates a premature translational stop signal (p.Asp962Ilefs*3) in the APC gene. While this is not anticipated to result in nonsense mediated decay, it is expected to disrupt the last 1882 amino acid(s) of the APC protein.

Quest Diagnostics Nichols Institute San Juan Capistrano
Classification: Pathogenic. Last evaluated: 2020-09-15. Review status: criteria provided, single submitter. Criteria: Quest Diagnostics criteria. Collection method: clinical testing. Allele origin: unknown.
Comment: This frameshift variant causes the premature termination of APC protein synthesisand has been reported individuals with Familial Adenomatous Polyposis (FAP) in the published literature (PMID: 11247896 (2001)). This variant has not been reported in large, multi-ethnic general populations. Therefore, the variant is classified as pathogenic.

Literature cited by the submitters: PubMed 11247896 (cited by Labcorp Genetics (formerly Invitae), Labcorp and Quest Diagnostics Nichols Institute San Juan Capistrano); PubMed 9824584 (cited by Labcorp Genetics (formerly Invitae), Labcorp); PubMed 1316610 (cited by Labcorp Genetics (formerly Invitae), Labcorp); PubMed 27081525 (cited by Labcorp Genetics (formerly Invitae), Labcorp); PubMed 8381579 (cited by Labcorp Genetics (formerly Invitae), Labcorp); PubMed 22135120 (cited by Labcorp Genetics (formerly Invitae), Labcorp); PubMed 15311282 (cited by Labcorp Genetics (formerly Invitae), Labcorp); PubMed 17293347 (cited by Labcorp Genetics (formerly Invitae), Labcorp).

NM_000038.6(APC):c.2884del (p.Asp962fs)

Gene: APC (APC regulator of Wnt signaling pathway; plus strand). Cytogenetic location: 5q22.2.
Variant type: Deletion.
Coding change: c.2884del on transcript NM_000038.6 (MANE Select); coding-DNA position 2884, one base deleted (G; older notation c.2884delG).
Protein change: p.Asp962fs; shifts the reading frame from aspartic acid 962.
Molecular consequence: frameshift variant.
Genome position (GRCh38, 1-based): chr5:112,838,478, G deleted. VCF-style (leftmost placement, unchanged base first): chr5-112838477-TG-T. GRCh37 (hg19) VCF-style: chr5-112174174-TG-T.
Other names: c.2884del, p.Asp962fs (NM_001127510.3, NM_001354895.2); c.2830del, p.Asp944fs (NM_001127511.3); c.2938del, p.Asp980fs (NM_001354896.2); c.2914del, p.Asp972fs (NM_001354897.2); c.2809del, p.Asp937fs (NM_001354898.2); c.2800del, p.Asp934fs (NM_001354899.2); c.2761del, p.Asp921fs (NM_001354900.2); c.2707del, p.Asp903fs (NM_001354901.2); and 6 more; short protein forms D937fs, D972fs, D836fs, D962fs, D980fs, D802fs, D871fs, D903fs.
Identifiers: ClinVar variation 575133 (VCV000575133.11), dbSNP rs1561580546, ClinGen allele CA658760844.